The following is an entry in ClinVar:

NM_000393.5(COL5A2):c.2789G>A (p.Gly930Glu)

Gene: COL5A2 (collagen type V alpha 2 chain; minus strand). Cytogenetic location: 2q32.2.
Variant type: single nucleotide variant.
Coding change: c.2789G>A on transcript NM_000393.5 (MANE Select); coding-DNA position 2789, G replaced by A.
Protein change: p.Gly930Glu; replaces glycine 930 with glutamic acid.
Molecular consequence: missense variant.
Genome position (GRCh38, 1-based): chr2:189,051,462, C>T on the plus strand (G>A on the coding strand, the complement: COL5A2 is on the minus strand). VCF-style: chr2-189051462-C-T. GRCh37 (hg19) VCF-style: chr2-189916188-C-T.
Other names: short protein forms G930E.
Identifiers: ClinVar variation 2060913 (VCV002060913.4), dbSNP rs2469256807, ClinGen allele CA349868370.

ClinVar aggregate classification (germline): Uncertain significance (1 of 4 stars; one submission).

Conditions:
Ehlers-Danlos syndrome, classic type, 1 (EDSCL1). Also called: EHLERS-DANLOS SYNDROME, GRAVIS TYPE; EHLERS-DANLOS SYNDROME, SEVERE CLASSIC TYPE; Ehlers-Danlos syndrome, type 1; EDS I; Ehlers-Danlos Syndrome, Classic Type, COL5A1-Related. Identifiers: MedGen C0268335, MONDO:0019567, OMIM 130000.

Submission:

Labcorp Genetics (formerly Invitae), Labcorp
Classification: Uncertain significance for Ehlers-Danlos syndrome, classic type, 1. Last evaluated: 2022-05-17. Review status: criteria provided, single submitter. Criteria: Invitae Variant Classification Sherloc (09022015). Collection method: clinical testing. Allele origin: germline.
Comment: Advanced modeling of protein sequence and biophysical properties (such as structural, functional, and spatial information, amino acid conservation, physicochemical variation, residue mobility, and thermodynamic stability) performed at Invitae indicates that this missense variant is expected to disrupt COL5A2 protein function. This sequence change replaces glycine, which is neutral and non-polar, with glutamic acid, which is acidic and polar, at codon 930 of the COL5A2 protein (p.Gly930Glu). This variant is not present in population databases (gnomAD no frequency). This variant has not been reported in the literature in individuals affected with COL5A2-related conditions. In summary, the available evidence is currently insufficient to determine the role of this variant in disease. Therefore, it has been classified as a Variant of Uncertain Significance.